The following is an entry in ClinVar:

ClinVar aggregate classification (germline): Likely benign (0 of 4 stars; one submission).

Conditions:
SFTPA2-related disorder. Also called: SFTPA2-related condition.

Allele frequency attached by ClinVar (database versions not stated): gnomAD 0.00001.

Submission:

PreventionGenetics, part of Exact Sciences
Classification: Likely benign for SFTPA2-related condition. Last evaluated: 2020-07-14. Review status: no assertion criteria provided. Collection method: clinical testing. Allele origin: germline.
Comment: This variant is classified as likely benign based on ACMG/AMP sequence variant interpretation guidelines (Richards et al. 2015 PMID: 25741868, with internal and published modifications).

NM_001098668.4(SFTPA2):c.303T>C (p.Ala101=)

Gene: SFTPA2 (surfactant protein A2; minus strand). Cytogenetic location: 10q22.3.
Variant type: single nucleotide variant.
Coding change: c.303T>C on transcript NM_001098668.4 (MANE Select); coding-DNA position 303, T replaced by C.
Protein change: p.Ala101=; no amino-acid change (alanine 101 retained).
Molecular consequence: synonymous variant.
Genome position (GRCh38, 1-based): chr10:79,558,119, A>G on the plus strand (T>C on the coding strand, the complement: SFTPA2 is on the minus strand). VCF-style: chr10-79558119-A-G. GRCh37 (hg19) VCF-style: chr10-81317875-A-G.
Other names: c.303T>C, p.Ala101= (NM_001320813.2); c.333T>C, p.Ala111= (NM_001320814.1).
Identifiers: ClinVar variation 3037096 (VCV003037096.2), dbSNP rs1413730534, ClinGen allele CA470416492.